The following is an entry in ClinVar:

NM_018834.6(MATR3):c.2317T>G (p.Tyr773Asp)

Gene: MATR3 (matrin 3; plus strand). Cytogenetic location: 5q31.2.
Variant type: single nucleotide variant.
Coding change: c.2317T>G on transcript NM_018834.6 (MANE Select); coding-DNA position 2317, T replaced by G.
Protein change: p.Tyr773Asp; replaces tyrosine 773 with aspartic acid.
Molecular consequence: missense variant.
Genome position (GRCh38, 1-based): chr5:139,325,608, T>G. VCF-style: chr5-139325608-T-G. GRCh37 (hg19) VCF-style: chr5-138661297-T-G.
Other names: c.2317T>G, p.Tyr773Asp (NM_001194954.2, NM_001194955.2, NM_001400447.1 and 11 more transcripts); c.1453T>G, p.Tyr485Asp (NM_001194956.2); c.1303T>G, p.Tyr435Asp (NM_001282278.2, NM_001400462.1, NM_001400463.1 and 4 more transcripts); c.2461T>G, p.Tyr821Asp (NM_001400441.1, NM_001400442.1, NM_001400443.1 and 2 more transcripts); c.1456T>G, p.Tyr486Asp (NM_001400459.1); c.1447T>G, p.Tyr483Asp (NM_001400460.1); c.1417T>G, p.Tyr473Asp (NM_001400461.1); short protein forms Y486D, Y773D, Y485D, Y435D, Y483D, Y821D, Y473D.
Identifiers: ClinVar variation 2910846 (VCV002910846.3), dbSNP rs531716338, ClinGen allele CA3433419.
Genomic context (GRCh38, chr5:139,325,608, plus strand): 5'-GATCCCAACAAAGATACAAGTGAAAACGCAGATGGTCAAAGTGATGAGAACAAGGACGAC[T>G]ATACAATCCCAGATGAGTATAGAATTGGACCATATCAGCCCAATGTTCCTGTTGGTGAGA-3'
Protein context (NP_061322.2, residues 763-783): DGQSDENKDD[Tyr773Asp]TIPDEYRIGP

ClinVar aggregate classification (germline): Uncertain significance (1 of 4 stars; one submission).

Conditions:
Amyotrophic lateral sclerosis type 21. Also called: VOCAL CORD AND PHARYNGEAL DYSFUNCTION WITH DISTAL MYOPATHY; MYOPATHY, DISTAL, 2. Identifiers: Orphanet 600, Orphanet 803, MedGen C3807521, MONDO:0011632, OMIM 606070.

Allele frequency attached by ClinVar (database versions not stated): ExAC 0.00001; TOPMed 0.00001; gnomAD 0.00003.

Submission:

Labcorp Genetics (formerly Invitae), Labcorp
Classification: Uncertain significance for Amyotrophic lateral sclerosis type 21. Last evaluated: 2023-04-13. Review status: criteria provided, single submitter. Criteria: Invitae Variant Classification Sherloc (09022015). Collection method: clinical testing. Allele origin: germline.
Comment: This variant has not been reported in the literature in individuals affected with MATR3-related conditions. This sequence change replaces tyrosine, which is neutral and polar, with aspartic acid, which is acidic and polar, at codon 773 of the MATR3 protein (p.Tyr773Asp). This variant is present in population databases (rs531716338, gnomAD 0.006%). Advanced modeling of protein sequence and biophysical properties (such as structural, functional, and spatial information, amino acid conservation, physicochemical variation, residue mobility, and thermodynamic stability) performed at Invitae indicates that this missense variant is not expected to disrupt MATR3 protein function. In summary, the available evidence is currently insufficient to determine the role of this variant in disease. Therefore, it has been classified as a Variant of Uncertain Significance.